The following is an entry in ClinVar:

ClinVar aggregate classification (germline): Likely benign (1 of 4 stars; one submission).

Allele frequency attached by ClinVar (database versions not stated): ExAC 0.00001; gnomAD exomes below 0.00001.
gnomAD v4.1: 2 of 1,610,994 alleles (0.00012%); highest among the groups gnomAD compares: Non-Finnish European, 0.00017%; no homozygotes.

Submission:

CeGaT Center for Human Genetics Tuebingen
Classification: Likely benign. Last evaluated: 2022-12-01. Review status: criteria provided, single submitter. Criteria: CeGaT Center For Human Genetics Tuebingen Variant Classification Criteria Version 2. Collection method: clinical testing. Allele origin: germline. Affected: yes. Observed: 1 variant allele.
Comment: TELO2: BP4, BP7

NM_016111.4(TELO2):c.486C>A (p.Ala162=)

Gene: TELO2 (telomere maintenance 2; plus strand). Cytogenetic location: 16p13.3.
Variant type: single nucleotide variant.
Coding change: c.486C>A on transcript NM_016111.4 (MANE Select); coding-DNA position 486, C replaced by A.
Protein change: p.Ala162=; no amino-acid change (alanine 162 retained).
Molecular consequence: synonymous variant.
Genome position (GRCh38, 1-based): chr16:1,495,496, C>A. VCF-style: chr16-1495496-C-A. GRCh37 (hg19) VCF-style: chr16-1545497-C-A.
Other names: c.486C>A, p.Ala162= (NM_001351846.2).
Identifiers: ClinVar variation 2645899 (VCV002645899.24), dbSNP rs757081092, ClinGen allele CA7811659.